The following is an entry in ClinVar:

NM_000426.4(LAMA2):c.3736-2A>T

Gene: LAMA2 (laminin subunit alpha 2; plus strand). Cytogenetic location: 6q22.33.
Variant type: single nucleotide variant.
Coding change: c.3736-2A>T on transcript NM_000426.4 (MANE Select); the canonical splice acceptor site of the intron before coding-DNA position 3736, A replaced by T.
Molecular consequence: splice acceptor variant.
Genome position (GRCh38, 1-based): chr6:129,315,760, A>T. VCF-style: chr6-129315760-A-T. GRCh37 (hg19) VCF-style: chr6-129636905-A-T.
Other names: c.3736-2A>T (NM_001079823.2).
Identifiers: ClinVar variation 543847 (VCV000543847.15), dbSNP rs372715292, ClinGen allele CA3993353.

ClinVar aggregate classification (germline): Pathogenic/Likely pathogenic. Review status: criteria provided, multiple submitters, no conflicts (2 of 4 stars). 5 submissions from 5 submitters: Pathogenic (2); Likely pathogenic (2). 1 of the submissions does not count toward it. Last evaluated 2025-06-03.

Conditions:
LAMA2-related muscular dystrophy (LAMA2-RD). Also called: Laminin alpha 2-related dystrophy. Identifiers: MedGen C5679788, MONDO:0100228.
LAMA2-related disorder. Also called: LAMA2-related disorders; LAMA2-related condition.
Merosin deficient congenital muscular dystrophy (MDC1A). Also called: Congenital merosin-deficient muscular dystrophy 1A; Congenital Muscular Dystrophy Type 1A (MDC1A). Identifiers: Orphanet 258, MedGen C1263858, MONDO:0011925, OMIM 607855.

Allele frequency attached by ClinVar (database versions not stated): TOPMed below 0.00001; gnomAD 0.00001; ExAC 0.00002; ESP Exome Variant Server 0.00008.
gnomAD v4.1: 12 of 1,613,926 alleles (0.00074%); highest among the groups gnomAD compares: Non-Finnish European, 0.00025%; no homozygotes.

Submissions (5):

Labcorp Genetics (formerly Invitae), Labcorp
Classification: Pathogenic for LAMA2-related muscular dystrophy. Last evaluated: 2025-06-03. Review status: criteria provided, single submitter. Criteria: Invitae Variant Classification Sherloc (09022015). Collection method: clinical testing. Allele origin: germline.
Comment: This sequence change affects an acceptor splice site in intron 25 of the LAMA2 gene. It is expected to disrupt RNA splicing. Variants that disrupt the donor or acceptor splice site typically lead to a loss of protein function (PMID: 16199547), and loss-of-function variants in LAMA2 are known to be pathogenic (PMID: 18700894, 32904964). This variant is present in population databases (rs372715292, gnomAD 0.02%). Disruption of this splice site has been observed in individual(s) with clinical features of LAMA2-related conditions (internal data). In at least one individual the data is consistent with being in trans (on the opposite chromosome) from a pathogenic variant. It has also been observed to segregate with disease in related individuals. ClinVar contains an entry for this variant (Variation ID: 543847). Algorithms developed to predict the effect of sequence changes on RNA splicing suggest that this variant may disrupt the consensus splice site. For these reasons, this variant has been classified as Pathogenic.

Baylor Genetics
Classification: Likely pathogenic for Merosin deficient congenital muscular dystrophy. Last evaluated: 2024-03-05. Review status: criteria provided, single submitter. Criteria: ACMG Guidelines, 2015. Collection method: clinical testing. Allele origin: unknown.

GeneDx
Classification: Pathogenic. Last evaluated: 2022-03-30. Review status: criteria provided, single submitter. Criteria: GeneDx Variant Classification Process June 2021. Collection method: clinical testing. Allele origin: germline. Affected: yes.
Comment: Canonical splice site variant predicted to result in an in-frame deletion of a critical region; Deletions involving coding exons in this gene are frequently reported as pathogenic, regardless of frame prediction (HGMD); This variant is associated with the following publications: (PMID: 18700894, 34103343)

Blueprint Genetics
Classification: Likely pathogenic for LAMA2-related disorders. Last evaluated: 2019-03-11. Review status: criteria provided, single submitter. Criteria: ACMG Guidelines, 2015. Collection method: clinical testing. Allele origin: germline. Affected: yes. Observed: 1 variant allele.

Counsyl
Classification: Likely pathogenic for Merosin deficient congenital muscular dystrophy. Last evaluated: 2017-08-23. Review status: no assertion criteria provided. Collection method: clinical testing. Allele origin: unknown. Not counted in ClinVar's aggregate classification.

Literature cited by the submitters: PubMed 16199547 (cited by Labcorp Genetics (formerly Invitae), Labcorp); PubMed 18700894 (cited by Labcorp Genetics (formerly Invitae), Labcorp); PubMed 32904964 (cited by Labcorp Genetics (formerly Invitae), Labcorp).